The following is an entry in ClinVar:

ClinVar aggregate classification (germline): Uncertain significance (1 of 4 stars; one submission).

Submission:

Laboratorio de Genetica e Diagnostico Molecular, Hospital Israelita Albert Einstein
Classification: Uncertain significance. Last evaluated: 2019-11-22. Review status: criteria provided, single submitter. Criteria: ACMG Guidelines, 2015. Collection method: clinical testing. Allele origin: germline. Affected: yes.
Comment: ACMG classification criteria: PM2

NM_001466.4(FZD2):c.290C>T (p.Ala97Val)

Gene: FZD2 (frizzled class receptor 2; plus strand). Cytogenetic location: 17q21.31.
Variant type: single nucleotide variant.
Coding change: c.290C>T on transcript NM_001466.4 (MANE Select); coding-DNA position 290, C replaced by T.
Protein change: p.Ala97Val; replaces alanine 97 with valine.
Molecular consequence: missense variant.
Genome position (GRCh38, 1-based): chr17:44,557,978, C>T. VCF-style: chr17-44557978-C-T. GRCh37 (hg19) VCF-style: chr17-42635346-C-T.
Other names: short protein forms A97V.
Identifiers: ClinVar variation 1690730 (VCV001690730.2), dbSNP rs2144572308, ClinGen allele CA399791391.